The following is an entry in ClinVar:

ClinVar aggregate classification (germline): Pathogenic. Review status: criteria provided, multiple submitters, no conflicts (2 of 4 stars). 6 submissions from 6 submitters: Pathogenic (5). 1 of the submissions does not count toward it. Last evaluated 2025-08-18.

Conditions:
Schöpf-Schulz-Passarge syndrome. Also called: SchC6pf-Schulz-Passarge syndrome; ECCRINE TUMORS WITH ECTODERMAL DYSPLASIA; KERATOSIS PALMOPLANTARIS WITH CYSTIC EYELIDS, HYPODONTIA, AND HYPOTRICHOSIS. Identifiers: Orphanet 50944, MedGen C1857069, MONDO:0009145, OMIM 224750.
Odonto-onycho-dermal dysplasia. Identifiers: Orphanet 2721, MedGen C0796093, MONDO:0009773, OMIM 257980.
Tooth agenesis, selective, 4 (STHAG4). Also called: LATERAL INCISORS, ABSENCE OF; LATERAL INCISORS, PEGGED OR MISSING; SUCCEDANEOUS TEETH, AGENESIS OF; TOOTH AGENESIS, SELECTIVE, 4, WITH OR WITHOUT ECTODERMAL DYSPLASIA. Identifiers: Orphanet 99798, MedGen C1835492, MONDO:0007881, OMIM 150400. Disease mechanism: loss of function.

Allele frequency attached by ClinVar (database versions not stated): gnomAD 0.00001; TOPMed 0.00001; gnomAD exomes 0.00002; 1000 Genomes Project 30x 0.00016; 1000 Genomes Project 0.00020.

Submissions (6):

Natera, Inc.
Classification: Pathogenic for Schopf-Schulz-Passarge syndrome. Last evaluated: 2025-08-18. Review status: criteria provided, single submitter. Criteria: Natera Variant Classification Schema (03/2026). Collection method: clinical testing. Allele origin: germline.
Comment: The c.376+1G>A variant in WNT10A is a canonical splice donor site variant predicted to affect pre-mRNA splicing, which may result in an abnormal transcript and altered protein product. This variant is expected to result in nonsense mediated decay, truncation, or a dysfunctional protein product. This variant is rare in the general population with a frequency below the threshold expected for the associated phenotype(s). This variant has been observed in one or more individuals affected with the associated recessive disease, as either homozygous or compound heterozygous with a second variant (PMID: 24458874, 36071541). This variant has been observed to not segregate affected family members (PMID: 37005710). Given the available evidence, this variant is classified as Pathogenic.

Labcorp Genetics (formerly Invitae), Labcorp
Classification: Pathogenic for Tooth agenesis, selective, 4; Odonto-onycho-dermal dysplasia. Last evaluated: 2023-12-30. Review status: criteria provided, single submitter. Criteria: Invitae Variant Classification Sherloc (09022015). Collection method: clinical testing. Allele origin: germline.
Comment: This sequence change affects a donor splice site in intron 2 of the WNT10A gene. It is expected to disrupt RNA splicing. Variants that disrupt the donor or acceptor splice site typically lead to a loss of protein function (PMID: 16199547), and loss-of-function variants in WNT10A are known to be pathogenic (PMID: 17847007, 22581971, 25629078). This variant is present in population databases (rs561503117, gnomAD 0.006%). Disruption of this splice site has been observed in individual(s) with tooth agenesis and clinical features of tricho-odonto-onycho-dermal dysplasia, and in the heterozygous state in individuals with tooth agenesis (PMID: 24311251, 24458874, 28105635; Invitae). In at least one individual the data is consistent with being in trans (on the opposite chromosome) from a pathogenic variant. ClinVar contains an entry for this variant (Variation ID: 936775). Algorithms developed to predict the effect of sequence changes on RNA splicing suggest that this variant may disrupt the consensus splice site. For these reasons, this variant has been classified as Pathogenic.

Women's Health and Genetics/Laboratory Corporation of America, LabCorp
Classification: Pathogenic for Odonto-onycho-dermal dysplasia. Last evaluated: 2023-10-11. Review status: criteria provided, single submitter. Criteria: LabCorp Variant Classification Summary - May 2015. Collection method: clinical testing. Allele origin: germline.
Comment: Variant summary: WNT10A c.376+1G>A is located in a canonical splice-site and is predicted to affect mRNA splicing resulting in a significantly altered protein due to either exon skipping, shortening, or inclusion of intronic material. Several computational tools predict a significant impact on normal splicing: Four predict the variant abolishes the canonical 5' splicing donor site. However, these predictions have yet to be confirmed by functional studies. The variant allele was found at a frequency of 1.6e-05 in 249274 control chromosomes (gnomAD). c.376+1G>A has been reported in the literature as a biallelic genotype in individuals affected with Odonto-onycho-dermal dysplasia and isolated oligodontia (e.g. Kantaputra_2014b, Tardieu_2017, Yu_2022). These data indicate that the variant is likely to be associated with disease. To our knowledge, no experimental evidence demonstrating an impact on protein function has been reported. The following publications have been ascertained in the context of this evaluation (PMID: 24311251, 24458874, 28105635, 36071541). Three submitters have cited clinical-significance assessments for this variant to ClinVar after 2014. All submitters classified the variant as pathogenic. Based on the evidence outlined above, the variant was classified as pathogenic.

Revvity Omics, Revvity
Classification: Pathogenic. Last evaluated: 2020-02-10. Review status: criteria provided, single submitter. Criteria: ACMG Guidelines, 2015. Collection method: clinical testing. Allele origin: germline.

Juno Genomics, Hangzhou Juno Genomics, Inc
Classification: Pathogenic for Tooth agenesis, selective, 4; Odonto-onycho-dermal dysplasia; Schöpf-Schulz-Passarge syndrome. Review status: criteria provided, single submitter. Criteria: ACMG Guidelines, 2015. Collection method: clinical testing. Allele origin: germline.
Comment: Absent from controls (or at extremely low frequency if recessive) in Genome Aggregation Database.;Null variant in a gene where loss of function (LOF) is a known mechanism of disease.;For recessive disorders, detected in trans with a pathogenic variant.;Patient's phenotype or family history is highly specific for a disease with a single genetic etiology.

Department of Second Dental Center, Ninth People’s Hospital, Shanghai Jiao Tong University School of Medicine
Classification: Pathogenic for Odonto-onycho-dermal dysplasia. Review status: no assertion criteria provided. Collection method: clinical testing. Allele origin: inherited. Affected: yes. Not counted in ClinVar's aggregate classification.

Literature cited by the submitters: PubMed 24458874 (cited by 3 submitters); PubMed 36071541 (cited by 3 submitters); PubMed 37005710 (cited by Natera, Inc.); PubMed 16199547 (cited by Labcorp Genetics (formerly Invitae), Labcorp); PubMed 17847007 (cited by Labcorp Genetics (formerly Invitae), Labcorp); PubMed 22581971 (cited by Labcorp Genetics (formerly Invitae), Labcorp); PubMed 25629078 (cited by Labcorp Genetics (formerly Invitae), Labcorp); PubMed 24311251 (cited by Labcorp Genetics (formerly Invitae), Labcorp and Women's Health and Genetics/Laboratory Corporation of America, LabCorp); PubMed 28105635 (cited by Labcorp Genetics (formerly Invitae), Labcorp and Women's Health and Genetics/Laboratory Corporation of America, LabCorp).

NM_025216.3(WNT10A):c.376+1G>A

Gene: WNT10A (Wnt family member 10A; plus strand). Cytogenetic location: 2q35.
Variant type: single nucleotide variant.
Coding change: c.376+1G>A on transcript NM_025216.3 (MANE Select); the canonical splice donor site of the intron after coding-DNA position 376, G replaced by A.
Molecular consequence: splice donor variant.
Genome position (GRCh38, 1-based): chr2:218,882,424, G>A. VCF-style: chr2-218882424-G-A. GRCh37 (hg19) VCF-style: chr2-219747146-G-A.
Identifiers: ClinVar variation 936775 (VCV000936775.17), dbSNP rs561503117, ClinGen allele CA65850544.